The following is an entry in ClinVar:

ClinVar aggregate classification (germline): Likely benign. Review status: criteria provided, multiple submitters, no conflicts (2 of 4 stars). 2 submissions from 2 submitters: Likely benign (2). Last evaluated 2026-06-01.

Allele frequency attached by ClinVar (database versions not stated): ESP Exome Variant Server 0.00009; TOPMed 0.00011; gnomAD 0.00013 and 0.00014; ExAC 0.00014; gnomAD exomes 0.00015.
gnomAD v4.1: 223 of 1,498,586 alleles (0.015%); highest among the groups gnomAD compares: Non-Finnish European, 0.016%; no homozygotes.

Submissions (2):

CeGaT Center for Human Genetics Tuebingen
Classification: Likely benign. Last evaluated: 2026-06-01. Review status: criteria provided, single submitter. Criteria: CeGaT Center For Human Genetics Tuebingen Variant Classification Criteria Version 2. Collection method: clinical testing. Allele origin: germline. Affected: yes. Observed: 1 variant allele.
Comment: DOCK4: BP4, BP7

Labcorp Genetics (formerly Invitae), Labcorp
Classification: Likely benign. Last evaluated: 2017-12-05. Review status: criteria provided, single submitter. Criteria: Invitae Variant Classification Sherloc (09022015). Collection method: clinical testing. Allele origin: germline.

NM_001363540.2(DOCK4):c.2937T>C (p.Ile979=)

Genes: DOCK4 (dedicator of cytokinesis 4; minus strand), DOCK4-AS1 (DOCK4 antisense RNA 1; plus strand). Cytogenetic location: 7q31.1.
Variant type: single nucleotide variant.
Coding change: c.2937T>C on transcript NM_001363540.2 (MANE Select); coding-DNA position 2937, T replaced by C.
Protein change: p.Ile979=; no amino-acid change (isoleucine 979 retained).
Molecular consequence: synonymous variant.
Genome position (GRCh38, 1-based): chr7:111,811,943, A>G on the plus strand (T>C on the coding strand, the complement: DOCK4 is on the minus strand). VCF-style: chr7-111811943-A-G. GRCh37 (hg19) VCF-style: chr7-111451999-A-G.
Other names: c.2937T>C, p.Ile979= (NM_014705.4).
Identifiers: ClinVar variation 730741 (VCV000730741.5), dbSNP rs373618668, ClinGen allele CA4442009.